The following is an entry in ClinVar:

NM_005921.2(MAP3K1):c.2848G>C (p.Glu950Gln)

Gene: MAP3K1 (mitogen-activated protein kinase kinase kinase 1; plus strand). Cytogenetic location: 5q11.2.
Variant type: single nucleotide variant.
Coding change: c.2848G>C on transcript NM_005921.2 (MANE Select); coding-DNA position 2848, G replaced by C.
Protein change: p.Glu950Gln; replaces glutamic acid 950 with glutamine.
Molecular consequence: missense variant.
Genome position (GRCh38, 1-based): chr5:56,882,048, G>C. VCF-style: chr5-56882048-G-C. GRCh37 (hg19) VCF-style: chr5-56177875-G-C.
Other names: short protein forms E950Q.
Identifiers: ClinVar variation 3713272 (VCV003713272.2).

ClinVar aggregate classification (germline): Uncertain significance (1 of 4 stars; one submission).

Conditions:
46,XY sex reversal 6. Also called: 46,XY GONADAL DYSGENESIS, PARTIAL OR COMPLETE, MAP3K1-RELATED; 46,XY SEX REVERSAL, PARTIAL OR COMPLETE, MAP3K1-RELATED. Identifiers: MedGen C3151064, MONDO:0013410, OMIM 613762.

gnomAD v4.1: 3 of 1,608,408 alleles (0.00019%); highest among the groups gnomAD compares: Non-Finnish European, 0.00025%; no homozygotes.

Submission:

Labcorp Genetics (formerly Invitae), Labcorp
Classification: Uncertain significance for 46,XY sex reversal 6. Last evaluated: 2024-09-27. Review status: criteria provided, single submitter. Criteria: Invitae Variant Classification Sherloc (09022015). Collection method: clinical testing. Allele origin: germline.
Comment: This sequence change replaces glutamic acid, which is acidic and polar, with glutamine, which is neutral and polar, at codon 950 of the MAP3K1 protein (p.Glu950Gln). This variant is not present in population databases (gnomAD no frequency). This variant has not been reported in the literature in individuals affected with MAP3K1-related conditions. Invitae Evidence Modeling of protein sequence and biophysical properties (such as structural, functional, and spatial information, amino acid conservation, physicochemical variation, residue mobility, and thermodynamic stability) indicates that this missense variant is not expected to disrupt MAP3K1 protein function with a negative predictive value of 80%. In summary, the available evidence is currently insufficient to determine the role of this variant in disease. Therefore, it has been classified as a Variant of Uncertain Significance.